The following is an entry in ClinVar:

ClinVar aggregate classification (germline): Uncertain significance. Review status: criteria provided, multiple submitters, no conflicts (2 of 4 stars). 2 submissions from 2 submitters: Uncertain significance (2). Last evaluated 2025-05-13.

Allele frequency attached by ClinVar (database versions not stated): 1000 Genomes Project 30x 0.00016.

Submissions (2):

GeneDx
Classification: Uncertain significance. Last evaluated: 2025-05-13. Review status: criteria provided, single submitter. Criteria: GeneDx Variant Classification Process June 2021. Collection method: clinical testing. Allele origin: germline. Affected: yes.
Comment: In silico analysis suggests that this missense variant does not alter protein structure/function; Observed with a second variant in SZT2 in a patient with a neurodevelopmental disorder; additional clinical features and segregation testing was not reported (PMID: 37645600); This variant is associated with the following publications: (PMID: 37645600)

Labcorp Genetics (formerly Invitae), Labcorp
Classification: Uncertain significance. Last evaluated: 2021-09-10. Review status: criteria provided, single submitter. Criteria: Invitae Variant Classification Sherloc (09022015). Collection method: clinical testing. Allele origin: germline.
Comment: This variant has not been reported in the literature in individuals affected with SZT2-related conditions. In summary, the available evidence is currently insufficient to determine the role of this variant in disease. Therefore, it has been classified as a Variant of Uncertain Significance. Algorithms developed to predict the effect of missense changes on protein structure and function are either unavailable or do not agree on the potential impact of this missense change (SIFT: "Tolerated"; PolyPhen-2: "Probably Damaging"; Align-GVGD: "Class C0"). This variant is present in population databases (rs41312024, ExAC 0.09%). This sequence change replaces isoleucine with methionine at codon 116 of the SZT2 protein (p.Ile116Met). The isoleucine residue is weakly conserved and there is a small physicochemical difference between isoleucine and methionine.

NM_001365999.1(SZT2):c.348C>G (p.Ile116Met)

Gene: SZT2 (SZT2 subunit of KICSTOR complex; plus strand). Cytogenetic location: 1p34.2.
Variant type: single nucleotide variant.
Coding change: c.348C>G on transcript NM_001365999.1 (MANE Select); coding-DNA position 348, C replaced by G.
Protein change: p.Ile116Met; replaces isoleucine 116 with methionine.
Molecular consequence: missense variant.
Genome position (GRCh38, 1-based): chr1:43,404,400, C>G. VCF-style: chr1-43404400-C-G. GRCh37 (hg19) VCF-style: chr1-43870071-C-G.
Other names: c.348C>G, p.Ile116Met (NM_015284.4); c.348C>G (NM_015284.3); short protein forms I116M.
Identifiers: ClinVar variation 1514372 (VCV001514372.5), dbSNP rs41312024, ClinGen allele CA808150.